The following is an entry in ClinVar:

ClinVar aggregate classification (germline): Uncertain significance. Review status: criteria provided, multiple submitters, no conflicts (2 of 4 stars). 5 submissions from 5 submitters: Uncertain significance (5). Last evaluated 2025-10-07.

Conditions:
Colorectal cancer. Also called: Colorectal cancer, somatic; Malignant Colorectal Neoplasm. Identifiers: MedGen C0346629, MONDO:0005575, OMIM 114500.
Oligodontia-cancer predisposition syndrome. Also called: TOOTH AGENESIS-COLORECTAL CANCER SYNDROME. Identifiers: Orphanet 300576, MedGen C1837750, MONDO:0012075, OMIM 608615. Disease mechanism: loss of function.
Hereditary cancer-predisposing syndrome. Also called: Hereditary neoplastic syndrome; Neoplastic Syndromes, Hereditary; Tumor predisposition; Hereditary Cancer Syndrome. Identifiers: Orphanet 140162, MedGen C0027672, MeSH D009386, MONDO:0015356.

Allele frequency attached by ClinVar (database versions not stated): ExAC 0.00001; gnomAD exomes 0.00001 and 0.00003.
gnomAD v4.1: 40 of 1,614,146 alleles (0.0025%); highest among the groups gnomAD compares: Middle Eastern, 0.016%; no homozygotes.

Submissions (5):

Labcorp Genetics (formerly Invitae), Labcorp
Classification: Uncertain significance for Oligodontia-cancer predisposition syndrome. Last evaluated: 2025-10-07. Review status: criteria provided, single submitter. Criteria: Invitae Variant Classification Sherloc (09022015). Collection method: clinical testing. Allele origin: germline.
Comment: This sequence change replaces alanine, which is neutral and non-polar, with threonine, which is neutral and polar, at codon 368 of the AXIN2 protein (p.Ala368Thr). This variant is present in population databases (rs772636882, gnomAD 0.003%). This variant has not been reported in the literature in individuals affected with AXIN2-related conditions. ClinVar contains an entry for this variant (Variation ID: 533240). Invitae Evidence Modeling of protein sequence and biophysical properties (such as structural, functional, and spatial information, amino acid conservation, physicochemical variation, residue mobility, and thermodynamic stability) indicates that this missense variant is not expected to disrupt AXIN2 protein function with a negative predictive value of 80%. In summary, the available evidence is currently insufficient to determine the role of this variant in disease. Therefore, it has been classified as a Variant of Uncertain Significance.

Ambry Genetics
Classification: Uncertain significance for Hereditary cancer-predisposing syndrome. Last evaluated: 2025-07-28. Review status: criteria provided, single submitter. Criteria: Ambry Variant Classification Scheme 2023. Collection method: clinical testing. Allele origin: germline.
Comment: The p.A368T variant (also known as c.1102G>A), located in coding exon 4 of the AXIN2 gene, results from a G to A substitution at nucleotide position 1102. The alanine at codon 368 is replaced by threonine, an amino acid with similar properties. This amino acid position is well conserved in available vertebrate species. In addition, this alteration is predicted to be tolerated by in silico analysis. Since supporting evidence is limited at this time, the clinical significance of this alteration remains unclear.

Center for Genomic Medicine, Rigshospitalet, Copenhagen University Hospital
Classification: Uncertain significance. Last evaluated: 2025-03-04. Review status: criteria provided, single submitter. Criteria: ACMG Guidelines, 2015. Collection method: clinical testing. Allele origin: germline.

Baylor Genetics
Classification: Uncertain significance for Colorectal cancer. Last evaluated: 2024-01-18. Review status: criteria provided, single submitter. Criteria: ACMG Guidelines, 2015. Collection method: clinical testing. Allele origin: unknown.

GeneDx
Classification: Uncertain significance. Last evaluated: 2023-10-20. Review status: criteria provided, single submitter. Criteria: GeneDx Variant Classification Process June 2021. Collection method: clinical testing. Allele origin: germline. Affected: yes.
Comment: Not observed at significant frequency in large population cohorts (gnomAD); In silico analysis supports that this missense variant does not alter protein structure/function; Has not been previously published as pathogenic or benign to our knowledge; This variant is associated with the following publications: (PMID: 15735151, 35723313)

NM_004655.4(AXIN2):c.1102G>A (p.Ala368Thr)

Gene: AXIN2 (axin 2; minus strand). Cytogenetic location: 17q24.1.
Variant type: single nucleotide variant.
Coding change: c.1102G>A on transcript NM_004655.4 (MANE Select); coding-DNA position 1102, G replaced by A.
Protein change: p.Ala368Thr; replaces alanine 368 with threonine.
Molecular consequence: missense variant.
Genome position (GRCh38, 1-based): chr17:65,538,301, C>T on the plus strand (G>A on the coding strand, the complement: AXIN2 is on the minus strand). VCF-style: chr17-65538301-C-T. GRCh37 (hg19) VCF-style: chr17-63534419-C-T.
Other names: c.1102G>A (LRG_296t1); c.1102G>A, p.Ala368Thr (NM_001363813.1); short protein forms A368T.
Identifiers: ClinVar variation 533240 (VCV000533240.16), dbSNP rs772636882, ClinGen allele CA8718857.